The following is an entry in ClinVar:

NM_000135.4(FANCA):c.3352A>G (p.Asn1118Asp)

Gene: FANCA (FA complementation group A; minus strand). Cytogenetic location: 16q24.3.
Variant type: single nucleotide variant.
Coding change: c.3352A>G on transcript NM_000135.4 (MANE Select); coding-DNA position 3352, A replaced by G.
Protein change: p.Asn1118Asp; replaces asparagine 1118 with aspartic acid.
Molecular consequence: missense variant.
Genome position (GRCh38, 1-based): chr16:89,746,887, T>C on the plus strand (A>G on the coding strand, the complement: FANCA is on the minus strand). VCF-style: chr16-89746887-T-C. GRCh37 (hg19) VCF-style: chr16-89813295-T-C.
Other names: c.3352A>G (LRG_495t1); c.3352A>G, p.Asn1118Asp (NM_001286167.3); short protein forms N1118D.
Identifiers: ClinVar variation 321338 (VCV000321338.7), dbSNP rs371208490, ClinGen allele CA10649311.
Genomic context (GRCh38, chr16:89,746,887, plus strand): 5'-TCACCCTGAAGAAGTGGGCAGTGATGTCCTGTGTCAGGGCACCTCCGTGGGAGCAGAAGT[T>C]TCTCTGCAAAAGAGTTCAAGGCAGGTAAGAAAAGCCCACAGGAAGAGAGGCGAGACCAAC-3'
Protein context (NP_000126.2, residues 1108-1128): FFHLVNSEMR[Asn1118Asp]FCSHGGALTQ

ClinVar aggregate classification (germline): Uncertain significance (1 of 4 stars; one submission).

Conditions:
Fanconi anemia (FA). Also called: Fanconi's anemia. Identifiers: Orphanet 84, MedGen C0015625, MeSH D005199, MONDO:0019391.

Allele frequency attached by ClinVar (database versions not stated): TOPMed below 0.00001; gnomAD exomes 0.00001.
gnomAD v4.1: 4 of 1,555,756 alleles (0.00026%); highest among the groups gnomAD compares: Non-Finnish European, 0.00035%; no homozygotes.

Submission:

Labcorp Genetics (formerly Invitae), Labcorp
Classification: Uncertain significance for Fanconi anemia. Last evaluated: 2022-11-04. Review status: criteria provided, single submitter. Criteria: Invitae Variant Classification Sherloc (09022015). Collection method: clinical testing. Allele origin: germline.
Comment: This sequence change replaces asparagine, which is neutral and polar, with aspartic acid, which is acidic and polar, at codon 1118 of the FANCA protein (p.Asn1118Asp). This variant is not present in population databases (gnomAD no frequency). This variant has not been reported in the literature in individuals affected with FANCA-related conditions. ClinVar contains an entry for this variant (Variation ID: 321338). Advanced modeling of protein sequence and biophysical properties (such as structural, functional, and spatial information, amino acid conservation, physicochemical variation, residue mobility, and thermodynamic stability) performed at Invitae indicates that this missense variant is expected to disrupt FANCA protein function. In summary, the available evidence is currently insufficient to determine the role of this variant in disease. Therefore, it has been classified as a Variant of Uncertain Significance.